The following is an entry in ClinVar:

ClinVar aggregate classification (germline): Uncertain significance (1 of 4 stars; one submission).

Conditions:
Hypoplastic left heart syndrome. Also called: Hypoplastic left heart; Hypoplastic left ventricle. Identifiers: Orphanet 2248, MedGen C0152101, MONDO:0004933, HP:0004383.

Submission:

Labcorp Genetics (formerly Invitae), Labcorp
Classification: Uncertain significance for Hypoplastic left heart syndrome. Last evaluated: 2024-02-01. Review status: criteria provided, single submitter. Criteria: Invitae Variant Classification Sherloc (09022015). Collection method: clinical testing. Allele origin: germline.
Comment: This sequence change replaces lysine, which is basic and polar, with asparagine, which is neutral and polar, at codon 134 of the HAND1 protein (p.Lys134Asn). This variant is not present in population databases (gnomAD no frequency). This variant has not been reported in the literature in individuals affected with HAND1-related conditions. An algorithm developed to predict the effect of missense changes on protein structure and function (PolyPhen-2) suggests that this variant is likely to be disruptive. In summary, the available evidence is currently insufficient to determine the role of this variant in disease. Therefore, it has been classified as a Variant of Uncertain Significance.

NM_004821.3(HAND1):c.402G>T (p.Lys134Asn)

Gene: HAND1 (heart and neural crest derivatives expressed 1; minus strand). Cytogenetic location: 5q33.2.
Variant type: single nucleotide variant.
Coding change: c.402G>T on transcript NM_004821.3 (MANE Select); coding-DNA position 402, G replaced by T.
Protein change: p.Lys134Asn; replaces lysine 134 with asparagine.
Molecular consequence: missense variant.
Genome position (GRCh38, 1-based): chr5:154,477,607, C>A on the plus strand (G>T on the coding strand, the complement: HAND1 is on the minus strand). VCF-style: chr5-154477607-C-A. GRCh37 (hg19) VCF-style: chr5-153857167-C-A.
Other names: short protein forms K134N.
Identifiers: ClinVar variation 3686819 (VCV003686819.2).
Genomic context (GRCh38, chr5:154,477,607, plus strand): 5'-TGCATCCTTGGCCAGCACGTCCATCAGGTAGGCGATGTAGCTGGTGGCTAGGCGCAGAGT[C>A]TTGATCTTGGAGAGCTTGGTGTCGGCCGGCACGTTGGGGATGCACTCGCGCAACTCCGCG-3'
Protein context (NP_004812.1, residues 124-144): VPADTKLSKI[Lys134Asn]TLRLATSYIA